The following is an entry in ClinVar:

ClinVar aggregate classification (germline): Benign (1 of 4 stars; one submission).

Conditions:
Seizures, benign familial neonatal, 2. Also called: CONVULSIONS, BENIGN FAMILIAL NEONATAL, 2; KCNQ3-Related Self-Limited Familial Neonatal Epilepsy (SLFNE); Benign Neonatal Epilepsy 2; KCNQ3-Related Benign Familial Neonatal Epilepsy; Seizures, benign neonatal, 2. Identifiers: Orphanet 1949, MedGen C1852581, MONDO:0007366, OMIM 121201.

Allele frequency attached by ClinVar (database versions not stated): 1000 Genomes Project 0.00040; TOPMed 0.00017; gnomAD 0.00116 and 0.00185; 1000 Genomes Project 30x 0.00047.

Submission:

Illumina Laboratory Services, Illumina
Classification: Benign for Seizures, benign familial neonatal, 2. Last evaluated: 2018-01-12. Review status: criteria provided, single submitter. Criteria: ICSL Variant Classification Criteria 13 December 2019. Collection method: clinical testing. Allele origin: germline.
Comment: This variant was observed in the ICSL laboratory as part of a predisposition screen in an ostensibly healthy population. It had not been previously curated by ICSL or reported in the Human Gene Mutation Database (HGMD: prior to June 1st, 2018), and was therefore a candidate for classification through an automated scoring system. Utilizing variant allele frequency, disease prevalence and penetrance estimates, and inheritance mode, an automated score was calculated to assess if this variant is too frequent to cause the disease. Based on the score and internal cut-off values, a variant classified as benign is not then subjected to further curation. The score for this variant resulted in a classification of benign for this disease.

NM_004519.4(KCNQ3):c.*3303C>A

Gene: KCNQ3 (potassium voltage-gated channel subfamily Q member 3; minus strand). Cytogenetic location: 8q24.22.
Variant type: single nucleotide variant.
Coding change: c.*3303C>A on transcript NM_004519.4 (MANE Select); 3303 bases downstream of the stop codon, C replaced by A.
Molecular consequence: 3 prime UTR variant.
Genome position (GRCh38, 1-based): chr8:132,125,959, G>T on the plus strand (C>A on the coding strand, the complement: KCNQ3 is on the minus strand). VCF-style: chr8-132125959-G-T. GRCh37 (hg19) VCF-style: chr8-133138206-G-T.
Other names: c.*3303C>A (NM_001204824.2).
Identifiers: ClinVar variation 361826 (VCV000361826.6), dbSNP rs571392133, ClinGen allele CA10630200.
Genomic context (GRCh38, chr8:132,125,959, plus strand): 5'-TTTTTTCTTAAGCTTTTGATATTTGCTTTTGTGCTGACATTTGATAGTCAAAACTCAAAC[G>T]ATCTCAAGTACTTCTTTCTCAGCTCAATAGGATCATGTTTCGCTTAACATTTGTGAAGTT-3'